The following is an entry in ClinVar:

NM_006648.4(WNK2):c.4601A>G (p.Asp1534Gly)

Gene: WNK2 (WNK lysine deficient protein kinase 2; plus strand). Cytogenetic location: 9q22.31.
Variant type: single nucleotide variant.
Coding change: c.4601A>G on transcript NM_006648.4 (MANE Select); coding-DNA position 4601, A replaced by G.
Protein change: p.Asp1534Gly; replaces aspartic acid 1534 with glycine.
Molecular consequence: missense variant.
Genome position (GRCh38, 1-based): chr9:93,289,355, A>G. VCF-style: chr9-93289355-A-G. GRCh37 (hg19) VCF-style: chr9-96051637-A-G.
Other names: c.4712A>G, p.Asp1571Gly (NM_001282394.3); short protein forms D1534G, D1571G.
Identifiers: ClinVar variation 5031788 (VCV005031788.1).

ClinVar aggregate classification (germline): Uncertain significance (1 of 4 stars; one submission).

Submission:

Ambry Genetics
Classification: Uncertain significance. Last evaluated: 2026-06-16. Review status: criteria provided, single submitter. Criteria: Ambry Variant Classification Scheme 2023. Collection method: clinical testing. Allele origin: germline.
Comment: The p.D1534G variant (also known as c.4601A>G), located in coding exon 19 of the WNK2 gene, results from an A to G substitution at nucleotide position 4601. The aspartic acid at codon 1534 is replaced by glycine, an amino acid with similar properties. This amino acid position is conserved. In addition, this alteration is predicted to be tolerated by in silico analysis. Based on the available evidence, the clinical significance of this variant remains unclear.